The following is an entry in ClinVar:

ClinVar aggregate classification (germline): Conflicting classifications of pathogenicity. Review status: criteria provided, conflicting classifications (1 of 4 stars). 3 submissions from 3 submitters: Uncertain significance (2); Likely benign (1). Last evaluated 2026-03-18.

Conditions:
Hereditary cancer-predisposing syndrome. Also called: Neoplastic Syndromes, Hereditary; Hereditary Cancer Syndrome; Tumor predisposition; Hereditary neoplastic syndrome. Identifiers: Orphanet 140162, MedGen C0027672, MeSH D009386, MONDO:0015356.
Hereditary diffuse gastric adenocarcinoma (HDGC). Also called: DIFFUSE GASTRIC AND LOBULAR BREAST CANCER SYNDROME. Identifiers: Orphanet 26106, MedGen C1708349, MONDO:0007648, OMIM 137215.

Allele frequency attached by ClinVar (database versions not stated): gnomAD exomes below 0.00001.
gnomAD v4.1: 2 of 1,614,136 alleles (0.00012%); highest among the groups gnomAD compares: Admixed American, 0.0033%; no homozygotes.

Submissions (3):

Ambry Genetics
Classification: Likely benign for Hereditary cancer-predisposing syndrome. Last evaluated: 2026-03-18. Review status: criteria provided, single submitter. Criteria: Ambry Variant Classification Scheme 2023. Collection method: clinical testing. Allele origin: germline.

GeneDx
Classification: Uncertain significance. Last evaluated: 2022-12-29. Review status: criteria provided, single submitter. Criteria: GeneDx Variant Classification Process June 2021. Collection method: clinical testing. Allele origin: germline. Affected: yes.
Comment: Not observed at significant frequency in large population cohorts (gnomAD); In silico analysis supports that this missense variant does not alter protein structure/function; Has not been previously published as pathogenic or benign to our knowledge; This variant is associated with the following publications: (PMID: 15235021, 22850631)

Labcorp Genetics (formerly Invitae), Labcorp
Classification: Uncertain significance for Hereditary diffuse gastric adenocarcinoma. Last evaluated: 2022-02-18. Review status: criteria provided, single submitter. Criteria: Invitae Variant Classification Sherloc (09022015). Collection method: clinical testing. Allele origin: germline.
Comment: In summary, the available evidence is currently insufficient to determine the role of this variant in disease. Therefore, it has been classified as a Variant of Uncertain Significance. Algorithms developed to predict the effect of missense changes on protein structure and function output the following: SIFT: "Tolerated"; PolyPhen-2: "Benign"; Align-GVGD: "Class C0". The methionine amino acid residue is found in multiple mammalian species, which suggests that this missense change does not adversely affect protein function. ClinVar contains an entry for this variant (Variation ID: 239888). This variant has not been reported in the literature in individuals affected with CDH1-related conditions. This variant is present in population databases (no rsID available, gnomAD 0.006%). This sequence change replaces isoleucine, which is neutral and non-polar, with methionine, which is neutral and non-polar, at codon 600 of the CDH1 protein (p.Ile600Met).

NM_004360.5(CDH1):c.1800A>G (p.Ile600Met)

Gene: CDH1 (cadherin 1; plus strand). Cytogenetic location: 16q22.1.
Variant type: single nucleotide variant.
Coding change: c.1800A>G on transcript NM_004360.5 (MANE Select); coding-DNA position 1800, A replaced by G.
Protein change: p.Ile600Met; replaces isoleucine 600 with methionine.
Molecular consequence: missense variant. On other transcripts: 5 prime UTR variant (1).
Genome position (GRCh38, 1-based): chr16:68,822,089, A>G. VCF-style: chr16-68822089-A-G. GRCh37 (hg19) VCF-style: chr16-68855992-A-G.
Other names: c.1800A>G (LRG_301t1); c.1617A>G, p.Ile539Met (NM_001317184.2); c.252A>G, p.Ile84Met (NM_001317185.2); c.-166A>G (NM_001317186.2); short protein forms I600M, I539M, I84M.
Identifiers: ClinVar variation 239888 (VCV000239888.10), dbSNP rs878854680, ClinGen allele CA10583418.